The following is an entry in ClinVar:

ClinVar aggregate classification (germline): Likely pathogenic (1 of 4 stars; one submission).

Submission:

GeneDx
Classification: Likely pathogenic. Last evaluated: 2019-04-04. Review status: criteria provided, single submitter. Criteria: GeneDx Variant Classification Process June 2021. Collection method: clinical testing. Allele origin: germline. Affected: yes.
Comment: Frameshift variant predicted to result in protein truncation or nonsense mediated decay in a gene for which loss-of-function is a known mechanism of disease; Not observed in large population cohorts (Lek et al., 2016); Has not been previously published as pathogenic or benign to our knowledge

NM_001379200.1(TBX1):c.294del (p.Ala100fs)

Gene: TBX1 (T-box transcription factor 1; plus strand). Cytogenetic location: 22q11.21.
Variant type: Deletion.
Coding change: c.294del on transcript NM_001379200.1 (MANE Select); coding-DNA position 294, one base deleted (C; older notation c.294delC).
Protein change: p.Ala100fs; shifts the reading frame from alanine 100.
Molecular consequence: frameshift variant.
Genome position (GRCh38, 1-based): chr22:19,761,137, C deleted; the last of 4 consecutive C bases (chr22:19,761,134-19,761,137); deleting any one gives the same sequence. VCF-style (leftmost placement, unchanged base first): chr22-19761133-GC-G. GRCh37 (hg19) VCF-style: chr22-19748656-GC-G.
Other names: c.267del, p.Ala91fs (NM_005992.1, NM_080646.2, NM_080647.1); c.267delC (NM_080647.1); short protein forms A100fs, A91fs.
Identifiers: ClinVar variation 1187469 (VCV001187469.2), dbSNP rs2145828319, ClinGen allele CA2499226012.